The following is an entry in ClinVar:

NM_018489.3(ASH1L):c.5138_5139del (p.Ser1713fs)

Gene: ASH1L (ASH1 like histone lysine methyltransferase; minus strand). Cytogenetic location: 1q22.
Variant type: Microsatellite.
Coding change: c.5138_5139del on transcript NM_018489.3 (MANE Select); coding-DNA positions 5138 to 5139, 2 bases deleted (CT; older notation c.5138_5139delCT).
Protein change: p.Ser1713fs; shifts the reading frame from serine 1713.
Molecular consequence: frameshift variant.
Genome position (GRCh38, 1-based): chr1:155,439,016-155,439,017, AG deleted on the plus strand (CT on the coding strand, the reverse complement: ASH1L is on the minus strand); deleting any 2 consecutive bases within chr1:155,439,016-155,439,019 gives the same sequence; the c. name uses the placement nearest the transcript's 3' end. VCF-style (leftmost placement, unchanged base first): chr1-155439015-CAG-C. GRCh37 (hg19) VCF-style: chr1-155408806-CAG-C.
Other names: c.5138_5139del, p.Ser1713fs (NM_001366177.2); short protein forms S1713fs.
Identifiers: ClinVar variation 3776382 (VCV003776382.1).

ClinVar aggregate classification (germline): Pathogenic (1 of 4 stars; one submission).

Submission:

GeneDx
Classification: Pathogenic. Last evaluated: 2024-10-01. Review status: criteria provided, single submitter. Criteria: GeneDx Variant Classification Process June 2021. Collection method: clinical testing. Allele origin: germline. Affected: yes.
Comment: Frameshift variant predicted to result in protein truncation or nonsense mediated decay in a gene for which loss of function is a known mechanism of disease; Not observed at significant frequency in large population cohorts (gnomAD); Has not been previously published as pathogenic or benign to our knowledge